The following is an entry in ClinVar:

NM_001022.4(RPS19):c.71del (p.Lys24fs)

Genes: RPS19-CD79A (RPS19-CD79A readthrough; plus strand), RPS19 (ribosomal protein S19; plus strand). Cytogenetic location: 19q13.2.
Variant type: Deletion.
Coding change: c.71del on transcript NM_001022.4 (MANE Select); coding-DNA position 71, one base deleted (A; older notation c.71delA).
Protein change: p.Lys24fs; shifts the reading frame from lysine 24.
Molecular consequence: frameshift variant.
Genome position (GRCh38, 1-based): chr19:41,860,845, A deleted; the last of 5 consecutive A bases (chr19:41,860,841-41,860,845); deleting any one gives the same sequence. VCF-style (leftmost placement, unchanged base first): chr19-41860840-CA-C. GRCh37 (hg19) VCF-style: chr19-42364910-CA-C.
Other names: c.71del, p.Lys24fs (NM_001321483.2, NM_001321484.2, NM_001321485.2); short protein forms K24fs.
Identifiers: ClinVar variation 2444176 (VCV002444176.1), dbSNP rs2513666238, ClinGen allele CA2580097308.

ClinVar aggregate classification (germline): Likely pathogenic (1 of 4 stars; one submission).

Conditions:
Diamond-Blackfan anemia 1 (DBA1). Also called: RPS19-Related Diamond-Blackfan Anemia; BLACKFAN-DIAMOND SYNDROME; ANEMIA, CONGENITAL HYPOPLASTIC, OF BLACKFAN AND DIAMOND; ANEMIA, CONGENITAL ERYTHROID HYPOPLASTIC; RED CELL APLASIA, PURE, HEREDITARY; AREGENERATIVE ANEMIA, CHRONIC CONGENITAL. Identifiers: Orphanet 124, MedGen C2676137, MONDO:0007110, OMIM 105650.

Submission:

3billion
Classification: Likely pathogenic for Diamond-Blackfan anemia 1. Last evaluated: 2023-02-23. Review status: criteria provided, single submitter. Criteria: ACMG Guidelines, 2015. Collection method: clinical testing. Allele origin: unknown. Affected: yes.
Comment: The variant is not observed in the gnomAD v2.1.1 dataset. This variant was predicted to result in a loss or disruption of normal protein function through nonsense-mediated decay (NMD) or protein truncation. Multiple pathogenic variants are reported downstream of the variant. Therefore, this variant is classified as Likely pathogenic according to the recommendation of ACMG/AMP guideline.